The following is an entry in ClinVar:

NM_001166108.2(PALLD):c.1965-13011G>A

Gene: PALLD (palladin, cytoskeletal associated protein; plus strand). Cytogenetic location: 4q32.3.
Variant type: single nucleotide variant.
Coding change: c.1965-13011G>A on transcript NM_001166108.2 (MANE Select); 13011 bases into the intron before coding-DNA position 1965, G replaced by A.
Molecular consequence: intron variant. On other transcripts: missense variant (1).
Genome position (GRCh38, 1-based): chr4:168,877,911, G>A. VCF-style: chr4-168877911-G-A. GRCh37 (hg19) VCF-style: chr4-169799062-G-A.
Other names: c.20G>A, p.Arg7His (NM_001166110.2); c.1965-13011G>A (NM_016081.4); c.819-13011G>A (NM_001166109.2); c.-157-13011G>A (NM_001367570.1, NM_001367568.1, NM_001367567.1 and 1 more transcripts); short protein forms R7H.
Identifiers: ClinVar variation 3885321 (VCV003885321.1).

ClinVar aggregate classification (germline): Uncertain significance (1 of 4 stars; one submission).

gnomAD v4.1: 2 of 1,479,556 alleles (0.00014%); highest among the groups gnomAD compares: Admixed American, 0.0022%; no homozygotes.

Submission:

Ambry Genetics
Classification: Uncertain significance. Last evaluated: 2025-02-01. Review status: criteria provided, single submitter. Criteria: Ambry Variant Classification Scheme 2023. Collection method: clinical testing. Allele origin: germline.
Comment: The p.R7H variant (also known as c.20G>A), located in coding exon 1 of the PALLD gene, results from a G to A substitution at nucleotide position 20. The arginine at codon 7 is replaced by histidine, an amino acid with highly similar properties. This amino acid position is conserved. In addition, this alteration is predicted to be tolerated by in silico analysis. Based on the available evidence, the clinical significance of this variant remains unclear.